The following is an entry in ClinVar:

NM_000719.7(CACNA1C):c.1730G>A (p.Ser577Asn)

Gene: CACNA1C (calcium voltage-gated channel subunit alpha1 C; plus strand). Cytogenetic location: 12p13.33.
Variant type: single nucleotide variant.
Coding change: c.1730G>A on transcript NM_000719.7 (MANE Select); coding-DNA position 1730, G replaced by A.
Protein change: p.Ser577Asn; replaces serine 577 with asparagine.
Molecular consequence: missense variant.
Genome position (GRCh38, 1-based): chr12:2,567,629, G>A. VCF-style: chr12-2567629-G-A. GRCh37 (hg19) VCF-style: chr12-2676795-G-A.
Other names: c.1730G>A, p.Ser577Asn (NM_001129831.2, NM_001129832.2, NM_001129833.2 and 18 more transcripts); c.1721G>A, p.Ser574Asn (NM_001129844.2); short protein forms S574N, S577N.
Identifiers: ClinVar variation 2825327 (VCV002825327.3), dbSNP rs2512920470, ClinGen allele CA383368882.

ClinVar aggregate classification (germline): Uncertain significance (1 of 4 stars; one submission).

Conditions:
Long QT syndrome (LQTS). Identifiers: MedGen C0023976, MeSH D008133, MONDO:0002442. Disease mechanism: loss of function. Inheritance: Various modes of inheritance.

Submission:

Labcorp Genetics (formerly Invitae), Labcorp
Classification: Uncertain significance for Long QT syndrome. Last evaluated: 2022-12-31. Review status: criteria provided, single submitter. Criteria: Invitae Variant Classification Sherloc (09022015). Collection method: clinical testing. Allele origin: germline.
Comment: This variant is not present in population databases (gnomAD no frequency). This sequence change replaces serine, which is neutral and polar, with asparagine, which is neutral and polar, at codon 577 of the CACNA1C protein (p.Ser577Asn). This variant has not been reported in the literature in individuals affected with CACNA1C-related conditions. Advanced modeling of protein sequence and biophysical properties (such as structural, functional, and spatial information, amino acid conservation, physicochemical variation, residue mobility, and thermodynamic stability) performed at Invitae indicates that this missense variant is expected to disrupt CACNA1C protein function. In summary, the available evidence is currently insufficient to determine the role of this variant in disease. Therefore, it has been classified as a Variant of Uncertain Significance.